The following continues an entry in ClinVar:

NM_000218.3(KCNQ1):c.914G>T (p.Trp305Leu)

Gene: KCNQ1. ClinVar aggregate classification (germline): Conflicting classifications of pathogenicity. Pathogenic (3); Likely pathogenic (4); Uncertain significance (2).

Submissions 7 to 9 of 9:

Victorian Clinical Genetics Services, Murdoch Childrens Research Institute
Classification: Likely pathogenic for Long QT syndrome 1. Last evaluated: 2020-10-19. Review status: criteria provided, single submitter. Criteria: ACMG Guidelines, 2015. Collection method: clinical testing. Allele origin: germline. Affected: yes.
Comment: Based on the classification scheme VCGS_Germline_v1.1.1, this variant is classified as Likely pathogenic. Following criteria are met: 0103 - Dominant negative, loss of function and gain of function are known mechanisms of disease in this gene. Gain of function mutations result exclusively in short QT syndrome (MIM#609621), while dominant negative and loss of function mutations can cause long QT syndrome (LQTS, MIM#192500), atrial fibrillation (MIM#607554) and Jervell and Lange-Nielsen syndrome (JLNS, MIM#220400) (OMIM, PMIDs: 19632626, 28438721). (I) 0108 - This gene is known to be associated with both recessive and dominant disease. JLNS is characterized by congenital, bilateral deafness and variable degrees of QT prolongation, and is the only condition caused by biallelic variants (PMID: 28438721). (I) (N) 0112 - Variants in this gene are known to have reduced penetrance (PMID: 20301308, OMIM). (N) 0200 - Variant is predicted to result in a missense amino acid change from tryptophan to leucine (exon 6). (N) 0251 - Variant is heterozygous. (N) 0302 - Variant is present in gnomAD <0.001 for a dominant condition (v2: 1 heterozygote, 0 homozygotes). (P) 0309 - An alternative amino acid change at the same position has been observed in gnomAD (v2: 1 heterozygote, 0 homozygotes). (N) 0501 - Missense variant consistently predicted to be damaging by multiple in silico tools or highly conserved with a major amino acid change. (P) 0600 - Variant is located in an annotated domain or motif. The variant is located in the P-loop region of the KCNQ1 gene (PMID: 26344792). (N) 0703 - Comparable variants have moderate previous evidence for pathogenicity. The p.W305S, p.W305R and p.W305C comparable variants have been described in multiple individuals with LQTS or JLNS (PMIDs: 1584047; 9781056; 23158531; 22456477). (P) 0802 - Moderate previous evidence of pathogenicity in unrelated individuals. This variant has been reported in four unrelated individuals with LQTS (ClinVar; PMIDs: 26344792; 28532774). (P) 1002 - Limited functional evidence supporting abnormal protein function. Using whole-cell patch clamp technique, the p.W305L mutant cDNA transfected into COS-7 monkey kidney cells demonstrated reduced Kv7.1 channel peak current density compared to COS-7 cells transfected with WT cDNA. However, patch clamp assays have been shown to be unreliable, therefore results from these studies are used with caution during variant classification (PMID: 26344792). (N) 1208 - Inherited information for this variant is not currently available. (N) Legend: (P) - Pathogenic, (N) - Neutral, (B) - Benign

Institute of Human Genetics, University of Leipzig Medical Center
Classification: Pathogenic for Long QT syndrome 1. Last evaluated: 2019-01-01. Review status: criteria provided, single submitter. Criteria: ACMG Guidelines, 2015. Collection method: clinical testing. Allele origin: unknown. Affected: no.

MVZ Martinsried, Medicover Genetics
Classification: Pathogenic for Long QT syndrome 1. Last evaluated: 2018-04-20. Review status: criteria provided, single submitter. Criteria: ACMG Guidelines, 2015. Collection method: clinical testing. Allele origin: unknown. Affected: yes.

Literature cited by the submitters: PubMed 26344792 (cited by 5 submitters); PubMed 19490272 (cited by Labcorp Genetics (formerly Invitae), Labcorp); PubMed 19716085 (cited by Labcorp Genetics (formerly Invitae), Labcorp); PubMed 21451124 (cited by Labcorp Genetics (formerly Invitae), Labcorp); PubMed 28532774 (cited by 3 submitters); PubMed 31737537 (cited by All of Us Research Program, National Institutes of Health and Ambry Genetics); PubMed 32893267 (cited by All of Us Research Program, National Institutes of Health); PubMed 34428338 (cited by Ambry Genetics); PubMed 9781056 (cited by 3billion and Victorian Clinical Genetics Services, Murdoch Childrens Research Institute); PubMed 1584047 (cited by Victorian Clinical Genetics Services, Murdoch Childrens Research Institute); PubMed 19632626 (cited by Victorian Clinical Genetics Services, Murdoch Childrens Research Institute); PubMed 20301308 (cited by Victorian Clinical Genetics Services, Murdoch Childrens Research Institute); PubMed 22456477 (cited by Victorian Clinical Genetics Services, Murdoch Childrens Research Institute); PubMed 23158531 (cited by Victorian Clinical Genetics Services, Murdoch Childrens Research Institute); PubMed 28438721 (cited by Victorian Clinical Genetics Services, Murdoch Childrens Research Institute).